The following is an entry in ClinVar:

NM_002458.3(MUC5B):c.14973G>A (p.Pro4991=)

Gene: MUC5B (mucin 5B, oligomeric mucus/gel-forming; plus strand). Cytogenetic location: 11p15.5.
Variant type: single nucleotide variant.
Coding change: c.14973G>A on transcript NM_002458.3 (MANE Select); coding-DNA position 14973, G replaced by A.
Protein change: p.Pro4991=; no amino-acid change (proline 4991 retained).
Molecular consequence: synonymous variant.
Genome position (GRCh38, 1-based): chr11:1,252,452, G>A. VCF-style: chr11-1252452-G-A. GRCh37 (hg19) VCF-style: chr11-1273682-G-A.
Identifiers: ClinVar variation 2641314 (VCV002641314.24), dbSNP rs142398575, ClinGen allele CA5808896.

ClinVar aggregate classification (germline): Likely benign (1 of 4 stars; one submission).

Allele frequency attached by ClinVar (database versions not stated): gnomAD 0.00013; gnomAD exomes 0.00015; ExAC 0.00024; 1000 Genomes Project 30x 0.00047; 1000 Genomes Project 0.00060.
gnomAD v4.1: 255 of 1,609,810 alleles (0.016%); highest among the groups gnomAD compares: Middle Eastern, 0.91%; 8 homozygotes.

Submission:

CeGaT Center for Human Genetics Tuebingen
Classification: Likely benign. Last evaluated: 2023-03-01. Review status: criteria provided, single submitter. Criteria: CeGaT Center For Human Genetics Tuebingen Variant Classification Criteria Version 2. Collection method: clinical testing. Allele origin: germline. Affected: yes. Observed: 2 variant alleles.
Comment: MUC5B: BP4, BP7